The following is an entry in ClinVar:

ClinVar aggregate classification (germline): Uncertain significance. Review status: criteria provided, multiple submitters, no conflicts (2 of 4 stars). 2 submissions from 2 submitters: Uncertain significance (2). Last evaluated 2022-08-22.

Conditions:
Leber congenital amaurosis 3 (LCA3). Also called: SPATA7-Related Retinitis Pigmentosa. Identifiers: MedGen C1858677, MONDO:0011415, OMIM 604232.

Allele frequency attached by ClinVar (database versions not stated): ExAC 0.00001; gnomAD 0.00001; gnomAD exomes 0.00001.
gnomAD v4.1: 22 of 1,612,108 alleles (0.0014%); highest among the groups gnomAD compares: African/African-American, 0.0027%; no homozygotes.

Submissions (2):

Blueprint Genetics
Classification: Uncertain significance. Last evaluated: 2022-08-22. Review status: criteria provided, single submitter. Criteria: ACMG Guidelines, 2015. Collection method: clinical testing. Allele origin: germline.

Labcorp Genetics (formerly Invitae), Labcorp
Classification: Uncertain significance for Leber congenital amaurosis 3. Last evaluated: 2022-02-23. Review status: criteria provided, single submitter. Criteria: Invitae Variant Classification Sherloc (09022015). Collection method: clinical testing. Allele origin: germline.
Comment: In summary, the available evidence is currently insufficient to determine the role of this variant in disease. Therefore, it has been classified as a Variant of Uncertain Significance. Algorithms developed to predict the effect of missense changes on protein structure and function are either unavailable or do not agree on the potential impact of this missense change (SIFT: "Deleterious"; PolyPhen-2: "Possibly Damaging"; Align-GVGD: "Class C0"). This variant has not been reported in the literature in individuals affected with SPATA7-related conditions. This variant is present in population databases (rs771016799, gnomAD 0.007%). This sequence change replaces lysine, which is basic and polar, with asparagine, which is neutral and polar, at codon 333 of the SPATA7 protein (p.Lys333Asn).

NM_018418.5(SPATA7):c.999G>C (p.Lys333Asn)

Gene: SPATA7 (spermatogenesis associated 7; plus strand). Cytogenetic location: 14q31.3.
Variant type: single nucleotide variant.
Coding change: c.999G>C on transcript NM_018418.5 (MANE Select); coding-DNA position 999, G replaced by C.
Protein change: p.Lys333Asn; replaces lysine 333 with asparagine.
Molecular consequence: missense variant.
Genome position (GRCh38, 1-based): chr14:88,429,434, G>C. VCF-style: chr14-88429434-G-C. GRCh37 (hg19) VCF-style: chr14-88895778-G-C.
Other names: c.903G>C, p.Lys301Asn (NM_001040428.4); short protein forms K333N, K301N.
Identifiers: ClinVar variation 1359666 (VCV001359666.9), dbSNP rs771016799, ClinGen allele CA7298665.
Genomic context (GRCh38, chr14:88,429,434, plus strand): 5'-CAAAGAAAAAATAGCTCCTTTACCTTTAGAAGGGCATGACTCAACATGGGATGAGATTAA[G>C]GATGATGCTCTTCAGCATTCCTCACCAAGGTAAACAGTTCACAGGAGAAATAATTTCAAC-3'
Protein context (NP_060888.2, residues 323-343): EGHDSTWDEI[Lys333Asn]DDALQHSSPR